The following is an entry in ClinVar:

ClinVar aggregate classification (germline): Conflicting classifications of pathogenicity. Review status: criteria provided, conflicting classifications (1 of 4 stars). 3 submissions from 3 submitters: Uncertain significance (2); Likely benign (1). Last evaluated 2025-12-02.

Conditions:
Hypertrophic cardiomyopathy 26. Also called: Cardiomyopathy, familial hypertrophic, 26. Identifiers: Orphanet 75249, MedGen C4310749, MONDO:0014883, OMIM 617047.
Myofibrillar myopathy 5. Also called: FILAMINOPATHY, AUTOSOMAL DOMINANT; Filaminopathy (type). Identifiers: Orphanet 171445, MedGen C1836050, MONDO:0012289, OMIM 609524.
Distal myopathy with posterior leg and anterior hand involvement. Also called: WILLIAMS DISTAL MYOPATHY. Identifiers: Orphanet 63273, MedGen C3279722, MONDO:0013550, OMIM 614065.
Cardiovascular phenotype. Identifiers: MedGen CN230736.

Allele frequency attached by ClinVar (database versions not stated): gnomAD 0.00001; TOPMed 0.00001; gnomAD exomes 0.00002.
gnomAD v4.1: 27 of 1,613,844 alleles (0.0017%); highest among the groups gnomAD compares: East Asian, 0.0022%; no homozygotes.

Submissions (3):

Labcorp Genetics (formerly Invitae), Labcorp
Classification: Likely benign for Distal myopathy with posterior leg and anterior hand involvement; Myofibrillar myopathy 5; Hypertrophic cardiomyopathy 26. Last evaluated: 2025-12-02. Review status: criteria provided, single submitter. Criteria: Invitae Variant Classification Sherloc (09022015). Collection method: clinical testing. Allele origin: germline.

Ambry Genetics
Classification: Uncertain significance for Cardiovascular phenotype. Last evaluated: 2025-01-31. Review status: criteria provided, single submitter. Criteria: Ambry Variant Classification Scheme 2023. Collection method: clinical testing. Allele origin: germline.
Comment: The p.H1731Y variant (also known as c.5191C>T), located in coding exon 30 of the FLNC gene, results from a C to T substitution at nucleotide position 5191. The histidine at codon 1731 is replaced by tyrosine, an amino acid with similar properties. This amino acid position is conserved. In addition, this alteration is predicted to be tolerated by in silico analysis. Since supporting evidence is limited at this time, the clinical significance of this alteration remains unclear.

Genetics and Molecular Pathology, SA Pathology
Classification: Uncertain significance for Hypertrophic cardiomyopathy 26. Last evaluated: 2021-08-31. Review status: criteria provided, single submitter. Criteria: ACMG Guidelines, 2015. Collection method: clinical testing. Allele origin: germline. Affected: yes.
Comment: The FLNC c.5191C>T variant is classified as VUS (PM2) The FLNC c.5191C>T variant is a single nucleotide change in exon 30/48 of the FLNC gene, which is predicted to change the amino acid histidine at position 1731 in the protein to tyrosine. The variant is rare in population databases (gnomAD allele frequency = 0.000013%; 2 het and 0 hom in 152254 sequenced alleles; highest frequency = 0.000029%, Non-Finnish European population) (PM2). The variant has been reported in dbSNP (rs1255727604). The variant has been reported as Uncertain significance by other diagnostic laboratories (ClinVar Variation ID: 933671).

NM_001458.5(FLNC):c.5191C>T (p.His1731Tyr)

Gene: FLNC (filamin C; plus strand). Cytogenetic location: 7q32.1.
Variant type: single nucleotide variant.
Coding change: c.5191C>T on transcript NM_001458.5 (MANE Select); coding-DNA position 5191, C replaced by T.
Protein change: p.His1731Tyr; replaces histidine 1731 with tyrosine.
Molecular consequence: missense variant.
Genome position (GRCh38, 1-based): chr7:128,849,570, C>T. VCF-style: chr7-128849570-C-T. GRCh37 (hg19) VCF-style: chr7-128489624-C-T.
Other names: c.5191C>T, p.His1731Tyr (NM_001127487.2); short protein forms H1731Y.
Identifiers: ClinVar variation 939304 (VCV000939304.13), dbSNP rs1255727604, ClinGen allele CA369204404.
Genomic context (GRCh38, chr7:128,849,570, plus strand): 5'-CCGGGCAAGTACGTCATCACCATCCGCTTCGGGGGTGAGCACATCCCCAACAGCCCCTTC[C>T]ACGTGCTGGTAAGTTCTGTAGCCACAGCAAGACTAGATGGCTGGGGAGGGGGGCCTGGCC-3'
Protein context (NP_001449.3, residues 1721-1741): GGEHIPNSPF[His1731Tyr]VLACDPLPHE